The following is an entry in ClinVar:

ClinVar aggregate classification (germline): Uncertain significance (1 of 4 stars; one submission).

Submission:

Labcorp Genetics (formerly Invitae), Labcorp
Classification: Uncertain significance. Last evaluated: 2022-08-23. Review status: criteria provided, single submitter. Criteria: Invitae Variant Classification Sherloc (09022015). Collection method: clinical testing. Allele origin: germline.
Comment: This variant, c.4932_4934del, results in the deletion of 1 amino acid(s) of the RTTN protein (p.Leu1645del), but otherwise preserves the integrity of the reading frame. This variant is present in population databases (rs767841109, gnomAD 0.0009%). This variant has not been reported in the literature in individuals affected with RTTN-related conditions. ClinVar contains an entry for this variant (Variation ID: 1424066). Experimental studies and prediction algorithms are not available or were not evaluated, and the functional significance of this variant is currently unknown. In summary, the available evidence is currently insufficient to determine the role of this variant in disease. Therefore, it has been classified as a Variant of Uncertain Significance.

NM_173630.4(RTTN):c.4932_4934del (p.Leu1645del)

Gene: RTTN (rotatin; minus strand). Cytogenetic location: 18q22.2.
Variant type: Deletion.
Coding change: c.4932_4934del on transcript NM_173630.4 (MANE Select); coding-DNA positions 4932 to 4934, 3 bases deleted (TCT; older notation c.4932_4934delTCT).
Protein change: p.Leu1645del; deletes leucine 1645.
Molecular consequence: inframe deletion.
Genome position (GRCh38, 1-based): chr18:70,059,856-70,059,858, AGA deleted on the plus strand (TCT on the coding strand, the reverse complement: RTTN is on the minus strand); deleting any 3 consecutive bases within chr18:70,059,856-70,059,860 gives the same sequence; the c. name uses the placement nearest the transcript's 3' end. VCF-style (leftmost placement, unchanged base first): chr18-70059855-GAGA-G. GRCh37 (hg19) VCF-style: chr18-67727091-GAGA-G.
Other names: c.2196_2198del, p.Leu733del (NM_001318520.2); short protein forms L1645del, L733del.
Identifiers: ClinVar variation 1424066 (VCV001424066.3), dbSNP rs767841109, ClinGen allele CA8995104.
Genomic context (GRCh38, chr18:70,059,855, plus strand): 5'-GTTTGTGTAAATTTATCTCAACTAACATGCCTCTCTAGGAGTATTTATCTCTTACCTACA[GAGA>G]AGTTCTATGAGATGAGCTTGTCGAAAAGCCTTTGCAGTGTCTCTGGGAGCAATCGTCAAG-3'